The following is an entry in ClinVar:

ClinVar aggregate classification (germline): Uncertain significance (1 of 4 stars; one submission).

Conditions:
Hereditary cancer-predisposing syndrome. Also called: Tumor predisposition; Hereditary neoplastic syndrome; Neoplastic Syndromes, Hereditary; Hereditary Cancer Syndrome. Identifiers: Orphanet 140162, MedGen C0027672, MeSH D009386, MONDO:0015356.

Submission:

Ambry Genetics
Classification: Uncertain significance for Hereditary cancer-predisposing syndrome. Last evaluated: 2025-05-12. Review status: criteria provided, single submitter. Criteria: Ambry Variant Classification Scheme 2023. Collection method: clinical testing. Allele origin: germline.
Comment: The p.A407S variant (also known as c.1219G>T), located in coding exon 10 of the CHEK2 gene, results from a G to T substitution at nucleotide position 1219. The alanine at codon 407 is replaced by serine, an amino acid with similar properties. This amino acid position is highly conserved in available vertebrate species. In addition, this alteration is predicted to be tolerated by in silico analysis. Based on the available evidence, the clinical significance of this variant remains unclear.

NM_007194.4(CHEK2):c.1219G>T (p.Ala407Ser)

Gene: CHEK2 (checkpoint kinase 2; minus strand). Cytogenetic location: 22q12.1.
Variant type: single nucleotide variant.
Coding change: c.1219G>T on transcript NM_007194.4 (MANE Select); coding-DNA position 1219, G replaced by T.
Protein change: p.Ala407Ser; replaces alanine 407 with serine.
Molecular consequence: missense variant.
Genome position (GRCh38, 1-based): chr22:28,695,750, C>A on the plus strand (G>T on the coding strand, the complement: CHEK2 is on the minus strand). VCF-style: chr22-28695750-C-A. GRCh37 (hg19) VCF-style: chr22-29091738-C-A.
Other names: c.1348G>T, p.Ala450Ser (NM_001005735.3); c.556G>T, p.Ala186Ser (NM_001257387.3); c.1018G>T, p.Ala340Ser (NM_001349956.3); c.1132G>T, p.Ala378Ser (NM_145862.3); short protein forms A340S, A378S, A450S, A186S, A407S.
Identifiers: ClinVar variation 4002263 (VCV004002263.1).
Genomic context (GRCh38, chr22:28,695,750, plus strand): 5'-GCAATGAAAATATTTCTTACCAGATAAAAAGAATAACTCCTAAACTCCAGCAGTCCACAG[C>A]ACGGTTATACCCAGCAGTCCCAACAGAAACAAGAACTTCAGGCGCCAAGTAGGTGGGGGT-3'
Protein context (NP_009125.1, residues 397-417): VSVGTAGYNR[Ala407Ser]VDCWSLGVIL